The following is an entry in ClinVar:

NM_021615.5(CHST6):c.214C>T (p.Pro72Ser)

Gene: CHST6 (carbohydrate sulfotransferase 6; minus strand). Cytogenetic location: 16q23.1.
Variant type: single nucleotide variant.
Coding change: c.214C>T on transcript NM_021615.5 (MANE Select); coding-DNA position 214, C replaced by T.
Protein change: p.Pro72Ser; replaces proline 72 with serine.
Molecular consequence: missense variant.
Genome position (GRCh38, 1-based): chr16:75,479,615, G>A on the plus strand (C>T on the coding strand, the complement: CHST6 is on the minus strand). VCF-style: chr16-75479615-G-A. GRCh37 (hg19) VCF-style: chr16-75513513-G-A.
Other names: short protein forms P72S.
Identifiers: ClinVar variation 3336188 (VCV003336188.1).

ClinVar aggregate classification (germline): Uncertain significance (1 of 4 stars; one submission).

gnomAD v4.1: 4 of 1,612,776 alleles (0.00025%); highest among the groups gnomAD compares: African/African-American, 0.004%; no homozygotes.

Submission:

Women's Health and Genetics/Laboratory Corporation of America, LabCorp
Classification: Uncertain significance. Last evaluated: 2024-05-03. Review status: criteria provided, single submitter. Criteria: LabCorp Variant Classification Summary - May 2015. Collection method: clinical testing. Allele origin: germline.
Comment: Variant summary: CHST6 c.214C>T (p.Pro72Ser) results in a non-conservative amino acid change located in the Sulfotransferase domain (IPR000863) of the encoded protein sequence. Five of five in-silico tools predict a damaging effect of the variant on protein function. The variant allele was found at a frequency of 4e-06 in 248748 control chromosomes. The available data on variant occurrences in the general population are insufficient to allow any conclusion about variant significance. c.214C>T has been reported as an allele combination in cis or in unknown phase with another misssense variant in the literature in individuals affected with autosomal recessive Macular Corneal Dystrophy (example, El-Ashry_2002, Aldave_2004). These report(s) do not provide unequivocal conclusions about association of the variant with Macular Corneal Dystrophy. To our knowledge, no experimental evidence demonstrating an impact on protein function has been reported. No submitters have cited clinical-significance assessments for this variant to ClinVar. Based on the evidence outlined above, the variant was classified as uncertain significance.

Literature cited by the submitters: PubMed 15013869; PubMed 11818380.